The following is an entry in ClinVar:

ClinVar aggregate classification (germline): Uncertain significance. Review status: criteria provided, multiple submitters, no conflicts (2 of 4 stars). 3 submissions from 3 submitters: Uncertain significance (3). Last evaluated 2026-05-11.

Conditions:
FOXI1-related disorder. Also called: FOXI1-related condition.

Allele frequency attached by ClinVar (database versions not stated): TOPMed 0.00005; gnomAD 0.00006; gnomAD exomes 0.00008; ExAC 0.00013.
gnomAD v4.1: 135 of 1,614,168 alleles (0.0084%); highest among the groups gnomAD compares: Middle Eastern, 0.033%; no homozygotes.

Submissions (3):

PreventionGenetics, part of Exact Sciences
Classification: Uncertain significance for FOXI1-related condition. Last evaluated: 2026-05-11. Review status: criteria provided, single submitter. Criteria: ACMG Guidelines, 2015. Collection method: clinical testing. Allele origin: germline.
Comment: The FOXI1 c.908G>A variant is predicted to result in the amino acid substitution p.Gly303Glu. This variant was reported in an individual with Polycystic kidney disease and assessed as a variant of uncertain significance, however additional information was not provided (table 3, Nigro et al. 2023. PubMed ID: 37372416). This variant is reported in 0.028% of alleles in individuals of Latino descent in gnomAD. At this time, the clinical significance of this variant is uncertain due to the absence of conclusive functional and genetic evidence.

Blueprint Genetics
Classification: Uncertain significance. Last evaluated: 2023-05-05. Review status: criteria provided, single submitter. Criteria: ACMG Guidelines, 2015. Collection method: clinical testing. Allele origin: germline.

Labcorp Genetics (formerly Invitae), Labcorp
Classification: Uncertain significance. Last evaluated: 2022-07-07. Review status: criteria provided, single submitter. Criteria: Invitae Variant Classification Sherloc (09022015). Collection method: clinical testing. Allele origin: germline.
Comment: In summary, the available evidence is currently insufficient to determine the role of this variant in disease. Therefore, it has been classified as a Variant of Uncertain Significance. Algorithms developed to predict the effect of missense changes on protein structure and function are either unavailable or do not agree on the potential impact of this missense change (SIFT: "Deleterious"; PolyPhen-2: "Probably Damaging"; Align-GVGD: "Class C0"). This variant has not been reported in the literature in individuals affected with FOXI1-related conditions. This variant is present in population databases (rs773527333, gnomAD 0.02%). This sequence change replaces glycine, which is neutral and non-polar, with glutamic acid, which is acidic and polar, at codon 303 of the FOXI1 protein (p.Gly303Glu).

NM_012188.5(FOXI1):c.908G>A (p.Gly303Glu)

Gene: FOXI1 (forkhead box I1; plus strand). Cytogenetic location: 5q35.1.
Variant type: single nucleotide variant.
Coding change: c.908G>A on transcript NM_012188.5 (MANE Select); coding-DNA position 908, G replaced by A.
Protein change: p.Gly303Glu; replaces glycine 303 with glutamic acid.
Molecular consequence: missense variant.
Genome position (GRCh38, 1-based): chr5:170,108,382, G>A. VCF-style: chr5-170108382-G-A. GRCh37 (hg19) VCF-style: chr5-169535386-G-A.
Other names: c.908G>A (NM_012188.4); c.623G>A, p.Gly208Glu (NM_144769.4); short protein forms G303E, G208E.
Identifiers: ClinVar variation 2173501 (VCV002173501.4), dbSNP rs773527333, ClinGen allele CA3555134.